The following is an entry in ClinVar:

NM_000059.4(BRCA2):c.556G>A (p.Ala186Thr)

Gene: BRCA2 (BRCA2 DNA repair associated; plus strand). Cytogenetic location: 13q13.1.
Variant type: single nucleotide variant.
Coding change: c.556G>A on transcript NM_000059.4 (MANE Select); coding-DNA position 556, G replaced by A.
Protein change: p.Ala186Thr; replaces alanine 186 with threonine.
Molecular consequence: missense variant.
Genome position (GRCh38, 1-based): chr13:32,326,538, G>A. VCF-style: chr13-32326538-G-A. GRCh37 (hg19) VCF-style: chr13-32900675-G-A.
Other names: short protein forms A186T.
Identifiers: ClinVar variation 578659 (VCV000578659.19), dbSNP rs1217007370, ClinGen allele CA387757916.

ClinVar aggregate classification (germline): Conflicting classifications of pathogenicity. Review status: criteria provided, conflicting classifications (1 of 4 stars). 5 submissions from 5 submitters: Uncertain significance (4); Likely benign (1). Last evaluated 2026-06-03.

Conditions:
Hereditary cancer-predisposing syndrome. Also called: Neoplastic Syndromes, Hereditary; Hereditary Cancer Syndrome; Hereditary neoplastic syndrome; Tumor predisposition. Identifiers: Orphanet 140162, MedGen C0027672, MeSH D009386, MONDO:0015356.
Hereditary breast ovarian cancer syndrome. Also called: BRCA1- and BRCA2-Associated Hereditary Breast and Ovarian Cancer; Hereditary breast and ovarian cancer syndrome; Hereditary breast and/or ovarian cancer syndrome; Breast and ovarian cancer; Hereditary breast and ovarian cancer syndrome (HBOC); Hereditary breast and ovarian cancer. Identifiers: Orphanet 145, MedGen C0677776, MeSH D061325, MONDO:0003582. Disease mechanism: loss of function.
Breast-ovarian cancer, familial, susceptibility to, 2 (BROVCA2). Also called: BRCA2 Hereditary Breast and Ovarian Cancer. Identifiers: Orphanet 145, MedGen C2675520, MONDO:0012933, OMIM 612555. Disease mechanism: loss of function.

gnomAD v4.1: 1 of 1,614,012 alleles (0.000062%); highest among the groups gnomAD compares: Non-Finnish European, 0.000085%; no homozygotes.

Submissions (5):

Myriad Genetics, Inc.
Classification: Likely benign for Breast-ovarian cancer, familial, susceptibility to, 2. Last evaluated: 2026-06-03. Review status: criteria provided, single submitter. Criteria: Myriad Autosomal Dominant, Autosomal Recessive and X-Linked Classification Criteria (2023). Collection method: clinical testing. Allele origin: unknown.
Comment: This variant is considered likely benign. This variant is strongly associated with less severe personal and family histories of cancer, typical for individuals without pathogenic variants in this gene [PMID: 25085752].

Labcorp Genetics (formerly Invitae), Labcorp
Classification: Uncertain significance for Hereditary breast ovarian cancer syndrome. Last evaluated: 2025-10-01. Review status: criteria provided, single submitter. Criteria: Invitae Variant Classification Sherloc (09022015). Collection method: clinical testing. Allele origin: germline.
Comment: This sequence change replaces alanine, which is neutral and non-polar, with threonine, which is neutral and polar, at codon 186 of the BRCA2 protein (p.Ala186Thr). This variant is not present in population databases (gnomAD no frequency). This variant has not been reported in the literature in individuals affected with BRCA2-related conditions. ClinVar contains an entry for this variant (Variation ID: 578659). Invitae Evidence Modeling of protein sequence and biophysical properties (such as structural, functional, and spatial information, amino acid conservation, physicochemical variation, residue mobility, and thermodynamic stability) indicates that this missense variant is not expected to disrupt BRCA2 protein function with a negative predictive value of 95%. In summary, the available evidence is currently insufficient to determine the role of this variant in disease. Therefore, it has been classified as a Variant of Uncertain Significance.

Ambry Genetics
Classification: Uncertain significance for Hereditary cancer-predisposing syndrome. Last evaluated: 2023-11-20. Review status: criteria provided, single submitter. Criteria: Ambry Variant Classification Scheme 2023. Collection method: clinical testing. Allele origin: germline.
Comment: The p.A186T variant (also known as c.556G>A), located in coding exon 6 of the BRCA2 gene, results from a G to A substitution at nucleotide position 556. The alanine at codon 186 is replaced by threonine, an amino acid with similar properties. This amino acid position is well conserved in available vertebrate species. In addition, this alteration is predicted to be tolerated by in silico analysis. Since supporting evidence is limited at this time, the clinical significance of this alteration remains unclear.

Color Diagnostics, LLC DBA Color Health
Classification: Uncertain significance for Hereditary cancer-predisposing syndrome. Last evaluated: 2023-02-21. Review status: criteria provided, single submitter. Criteria: ACMG Guidelines, 2015. Collection method: clinical testing. Allele origin: germline.
Comment: This missense variant replaces alanine with threonine at codon 186 of the BRCA2 protein. Computational prediction suggests that this variant may not impact protein structure and function (internally defined REVEL score threshold <= 0.5, PMID: 27666373). To our knowledge, functional studies have not been reported for this variant. This variant has been reported in an individual affected with breast cancer (PMID: 33471991; Leiden Open Variation Database DB-ID BRCA2_007725). This variant has not been identified in the general population by the Genome Aggregation Database (gnomAD). The available evidence is insufficient to determine the role of this variant in disease conclusively. Therefore, this variant is classified as a Variant of Uncertain Significance.

Quest Diagnostics Nichols Institute San Juan Capistrano
Classification: Uncertain significance. Last evaluated: 2020-04-13. Review status: criteria provided, single submitter. Criteria: Quest Diagnostics criteria. Collection method: clinical testing. Allele origin: unknown.

Literature cited by the submitters: PubMed 25085752 (cited by Myriad Genetics, Inc.); PubMed 33471991 (cited by Color Diagnostics, LLC DBA Color Health).